The following is an entry in ClinVar:

NM_001122630.2(CDKN1C):c.581_616dup (p.Pro205_Asp206insAlaProAlaProAlaProAlaProAlaProAlaPro)

Gene: CDKN1C (cyclin dependent kinase inhibitor 1C; minus strand). Cytogenetic location: 11p15.4.
Variant type: Duplication.
Coding change: c.581_616dup on transcript NM_001122630.2 (MANE Select); coding-DNA positions 581 to 616, 36 bases duplicated.
Protein change: p.Pro205_Asp206insAlaProAlaProAlaProAlaProAlaProAlaPro.
Molecular consequence: inframe insertion. On other transcripts: intron variant (1).
Genome position (GRCh38, 1-based): chr11:2,884,841-2,884,876, 36 bases duplicated; duplicating any 36 consecutive bases within chr11:2,884,841-2,884,889 gives the same sequence; the c. name uses the placement nearest the transcript's 3' end. GRCh37 (hg19): chr11:2,906,084-2,906,119.
Other names: c.614_649dup, p.Pro216_Asp217insAlaProAlaProAlaProAlaProAlaProAlaPro (NM_000076.2, NM_001362474.2); c.581_616dup, p.Pro205_Asp206insAlaProAlaProAlaProAlaProAlaProAlaPro (NM_001122631.2); c.255+326_255+361dup (NM_001362475.2).
Identifiers: ClinVar variation 2762264 (VCV002762264.3), dbSNP rs878853638, ClinGen allele CA2697548338.

ClinVar aggregate classification (germline): Uncertain significance (1 of 4 stars; one submission).

Conditions:
Beckwith-Wiedemann syndrome (BWS). Also called: EMG SYNDROME; Exomphalos macroglossia gigantism syndrome. Identifiers: Orphanet 116, MedGen C0004903, MONDO:0007534, OMIM 130650.

Submission:

Labcorp Genetics (formerly Invitae), Labcorp
Classification: Uncertain significance for Beckwith-Wiedemann syndrome. Last evaluated: 2023-09-21. Review status: criteria provided, single submitter. Criteria: Invitae Variant Classification Sherloc (09022015). Collection method: clinical testing. Allele origin: germline.
Comment: In summary, the available evidence is currently insufficient to determine the role of this variant in disease. Therefore, it has been classified as a Variant of Uncertain Significance. This variant has not been reported in the literature in individuals affected with CDKN1C-related conditions. This variant is not present in population databases (gnomAD no frequency). This variant, c.614_649dup, results in the insertion of 12 amino acid(s) of the CDKN1C protein (p.Ala205_Pro216dup), but otherwise preserves the integrity of the reading frame.